The following is an entry in ClinVar:

NM_032108.4(SEMA6B):c.1918C>G (p.Leu640Val)

Gene: SEMA6B (semaphorin 6B; minus strand). Cytogenetic location: 19p13.3.
Variant type: single nucleotide variant.
Coding change: c.1918C>G on transcript NM_032108.4 (MANE Select); coding-DNA position 1918, C replaced by G.
Protein change: p.Leu640Val; replaces leucine 640 with valine.
Molecular consequence: missense variant.
Genome position (GRCh38, 1-based): chr19:4,544,350, G>C on the plus strand (C>G on the coding strand, the complement: SEMA6B is on the minus strand). VCF-style: chr19-4544350-G-C. GRCh37 (hg19) VCF-style: chr19-4544362-G-C.
Other names: short protein forms L640V.
Identifiers: ClinVar variation 4526203 (VCV004526203.1).

ClinVar aggregate classification (germline): Uncertain significance (1 of 4 stars; one submission).

gnomAD v4.1: 5 of 1,557,858 alleles (0.00032%); highest among the groups gnomAD compares: Admixed American, 0.0018%; no homozygotes.

Submission:

Women's Health and Genetics/Laboratory Corporation of America, LabCorp
Classification: Uncertain significance. Last evaluated: 2025-07-25. Review status: criteria provided, single submitter. Criteria: LabCorp Variant Classification Summary - May 2015. Collection method: clinical testing. Allele origin: germline.
Comment: Variant summary: SEMA6B c.1918C>G (p.Leu640Val) results in a conservative amino acid change in the encoded protein sequence. Algorithms developed to predict the effect of missense changes on protein structure and function are either unavailable or do not agree on the potential impact of this missense change. The variant was absent in 161280 control chromosomes. The available data on variant occurrences in the general population are insufficient to allow any conclusion about variant significance. To our knowledge, no occurrence of c.1918C>G in individuals affected with Epilepsy, Progressive Myoclonic, 11 and no experimental evidence demonstrating its impact on protein function have been reported. No submitters have cited clinical-significance assessments for this variant to ClinVar. Based on the evidence outlined above, the variant was classified as uncertain significance.